The following is an entry in ClinVar:

NM_003611.3(OFD1):c.1196C>G (p.Ser399Cys)

Gene: OFD1 (OFD1 centriole and centriolar satellite protein; plus strand). Cytogenetic location: Xp22.2.
Variant type: single nucleotide variant.
Coding change: c.1196C>G on transcript NM_003611.3 (MANE Select); coding-DNA position 1196, C replaced by G.
Protein change: p.Ser399Cys; replaces serine 399 with cysteine.
Molecular consequence: missense variant.
Genome position (GRCh38, 1-based): chrX:13,755,217, C>G. VCF-style: chrX-13755217-C-G. GRCh37 (hg19) VCF-style: chrX-13773336-C-G.
Other names: c.1076C>G, p.Ser359Cys (NM_001330209.2); c.776C>G, p.Ser259Cys (NM_001330210.2); short protein forms S399C, S359C, S259C.
Identifiers: ClinVar variation 2939270 (VCV002939270.3), dbSNP rs748851759, ClinGen allele CA412342415.

ClinVar aggregate classification (germline): Uncertain significance (1 of 4 stars; one submission).

Conditions:
Joubert syndrome. Also called: CEREBELLOPARENCHYMAL DISORDER IV; JOUBERT-BOLTSHAUSER SYNDROME; Familial aplasia of the vermis. Identifiers: Orphanet 475, MedGen C5979921, MONDO:0018772.
Orofaciodigital syndrome I (OFD1). Also called: OFDS I; Papillon-Leage and Psaume Syndrome; Oral-Facial-Digital Syndrome Type I. Identifiers: Orphanet 2750, MedGen C1510460, MONDO:0010702, OMIM 311200.

gnomAD v4.1: 2 of 1,196,400 alleles (0.00017%); highest among the groups gnomAD compares: South Asian, 0.0035%; no homozygotes.

Submission:

Labcorp Genetics (formerly Invitae), Labcorp
Classification: Uncertain significance for Orofaciodigital syndrome I; Joubert syndrome. Last evaluated: 2023-06-12. Review status: criteria provided, single submitter. Criteria: Invitae Variant Classification Sherloc (09022015). Collection method: clinical testing. Allele origin: germline.
Comment: In summary, the available evidence is currently insufficient to determine the role of this variant in disease. Therefore, it has been classified as a Variant of Uncertain Significance. Advanced modeling of protein sequence and biophysical properties (such as structural, functional, and spatial information, amino acid conservation, physicochemical variation, residue mobility, and thermodynamic stability) performed at Invitae indicates that this missense variant is not expected to disrupt OFD1 protein function. This variant has not been reported in the literature in individuals affected with OFD1-related conditions. This variant is not present in population databases (gnomAD no frequency). This sequence change replaces serine, which is neutral and polar, with cysteine, which is neutral and slightly polar, at codon 399 of the OFD1 protein (p.Ser399Cys).